The following is an entry in ClinVar:

NM_000277.3(PAH):c.442-4403_509+883del

Gene: PAH (phenylalanine hydroxylase; minus strand). Cytogenetic location: 12q23.2.
Variant type: Deletion.
Coding change: c.442-4403_509+883del on transcript NM_000277.3 (MANE Select); 4403 bases into the intron before coding-DNA position 442 through 883 bases into the intron after coding-DNA position 509, 5,354 bases deleted.
Molecular consequence: splice acceptor variant, splice donor variant.
Genome position (GRCh38, 1-based): chr12:102,865,713-102,871,066, 5,354 bases deleted. GRCh37 (hg19): chr12:103,259,491-103,264,844.
Other names: c.442-4403_509+883del (NM_001354304.2).
Identifiers: ClinVar variation 1065383 (VCV001065383.1), ClinGen allele CA916084429.

ClinVar aggregate classification (germline): Pathogenic (3 of 4 stars; one submission).

Conditions:
Phenylketonuria (PKU). Also called: Phenylketonurias; Phenylketonuria (PKU); OLIGOPHRENIA PHENYLPYRUVICA; FOLLING DISEASE. Identifiers: Orphanet 716, MedGen C0031485, MONDO:0009861, OMIM 261600. Disease mechanism: loss of function.

Submission:

ClinGen PAH Variant Curation Expert Panel
Classification: Pathogenic for Phenylketonuria. Last evaluated: 2020-06-05. Review status: reviewed by expert panel. Criteria: ClinGen PAH ACMG Specifications v1. Collection method: curation. Allele origin: germline. Inheritance: Autosomal recessive inheritance.
Comment: The p.Ex5del5321 variant is a 5321bp deletion in Exon 5 of PAH, a gene where loss of function is a known disease mechanism, and is predicted to lead to a frameshift at His170, premature protein truncation, and NMD (PVS1). One heterozygote for the deletion is present in gnomAD, corresponding to an allele frequency of 0.000046 (structural variant version, gnomAD SVs v2.1), less than the 0.0002 cutoff for use of PM2 (PM2). It has been previously reported in one patient with PKU (BH4 deficiency excluded by sequencing of the genes in the BH4 cofactor metabolism pathway) (PP4_Moderate) (PMID: 23942198) in presumed trans with the p.G332R variant (unclassified/VUS). Classification: Pathogenic Supporting Criteria: PVS1; PM2; PP4_Moderate